The following is an entry in ClinVar:

NM_001329943.3(KIAA0586):c.3283A>C (p.Lys1095Gln)

Gene: KIAA0586 (KIAA0586; plus strand). Cytogenetic location: 14q23.1.
Variant type: single nucleotide variant.
Coding change: c.3283A>C on transcript NM_001329943.3 (MANE Select); coding-DNA position 3283, A replaced by C.
Protein change: p.Lys1095Gln; replaces lysine 1095 with glutamine.
Molecular consequence: missense variant.
Genome position (GRCh38, 1-based): chr14:58,487,145, A>C. VCF-style: chr14-58487145-A-C. GRCh37 (hg19) VCF-style: chr14-58953863-A-C.
Other names: c.3442A>C, p.Lys1148Gln (NM_001244189.2); c.3238A>C, p.Lys1080Gln (NM_001244190.2); c.3028A>C, p.Lys1010Gln (NM_001244191.2, NM_001329945.2, NM_001364700.1 and 1 more transcripts); c.3151A>C, p.Lys1051Gln (NM_001244192.2); c.2863A>C, p.Lys955Gln (NM_001244193.2); c.3283A>C, p.Lys1095Gln (NM_001329944.2, NM_001329946.2, NM_001329947.2); c.3055A>C, p.Lys1019Gln (NM_014749.5); short protein forms K1019Q, K1148Q, K1095Q, K955Q, K1010Q, K1051Q, K1080Q.
Identifiers: ClinVar variation 435568 (VCV000435568.59), dbSNP rs140565291, ClinGen allele CA7206108.

ClinVar aggregate classification (germline): Benign/Likely benign. Review status: criteria provided, multiple submitters, no conflicts (2 of 4 stars). 8 submissions from 8 submitters: Benign (3); Likely benign (4). 1 of the submissions does not count toward it. Last evaluated 2026-01-27.

Conditions:
KIAA0586-related disorder. Also called: KIAA0586-related condition; KIAA0586- Related disorders.
Short-rib thoracic dysplasia 14 with polydactyly (SRTD14). Identifiers: Orphanet 397715, MedGen C4225286, MONDO:0014688, OMIM 616546.
Joubert syndrome 23 (JBTS23). Identifiers: Orphanet 475, MedGen C4084822, MONDO:0014664, OMIM 616490.

Allele frequency attached by ClinVar (database versions not stated): gnomAD exomes 0.00090 and 0.00202; ExAC 0.00228; ESP Exome Variant Server 0.00321; TOPMed 0.00383; 1000 Genomes Project 0.00439; 1000 Genomes Project 30x 0.00468.
gnomAD v4.1: 1,868 of 1,611,814 alleles (0.12%); highest among the groups gnomAD compares: African/African-American, 0.96%; 12 homozygotes.

Submissions (8):

Labcorp Genetics (formerly Invitae), Labcorp
Classification: Benign for Joubert syndrome 23; Short-rib thoracic dysplasia 14 with polydactyly. Last evaluated: 2026-01-27. Review status: criteria provided, single submitter. Criteria: Invitae Variant Classification Sherloc (09022015). Collection method: clinical testing. Allele origin: germline.

Blueprint Genetics
Classification: Likely benign. Last evaluated: 2024-10-16. Review status: criteria provided, single submitter. Criteria: ACMG Guidelines, 2015. Collection method: clinical testing. Allele origin: germline.

Dubai Health Genomic Medicine Center, Dubai Health
Classification: Benign for Joubert syndrome 23. Last evaluated: 2020-12-14. Review status: criteria provided, single submitter. Criteria: ACMG Guidelines, 2015. Collection method: clinical testing. Allele origin: germline. Affected: yes.

GeneDx
Classification: Likely benign. Last evaluated: 2020-07-05. Review status: criteria provided, single submitter. Criteria: GeneDx Variant Classification Process June 2021. Collection method: clinical testing. Allele origin: germline. Affected: yes.

CeGaT Center for Human Genetics Tuebingen
Classification: Likely benign. Last evaluated: 2020-07-01. Review status: criteria provided, single submitter. Criteria: CeGaT Center For Human Genetics Tuebingen Variant Classification Criteria Version 2. Collection method: clinical testing. Allele origin: germline. Affected: yes. Observed: 1 variant allele.

Genetic Services Laboratory, University of Chicago
Classification: Benign. Last evaluated: 2017-06-21. Review status: criteria provided, single submitter. Criteria: ACMG Guidelines, 2015. Collection method: clinical testing. Allele origin: germline. Affected: no.

Breakthrough Genomics
Classification: Likely benign. Review status: criteria provided, single submitter. Criteria: ACMG Guidelines, 2015. Collection method: not provided. Allele origin: germline. Inheritance: Autosomal recessive inheritance. Affected: yes.

PreventionGenetics, part of Exact Sciences
Classification: Benign for KIAA0586-related condition. Last evaluated: 2019-08-28. Review status: no assertion criteria provided. Collection method: clinical testing. Allele origin: germline. Not counted in ClinVar's aggregate classification.
Comment: This variant is classified as benign based on ACMG/AMP sequence variant interpretation guidelines (Richards et al. 2015 PMID: 25741868, with internal and published modifications).